The following is an entry in ClinVar:

ClinVar aggregate classification (germline): Likely benign (1 of 4 stars; one submission).

Allele frequency attached by ClinVar (database versions not stated): 1000 Genomes Project 30x 0.00187; 1000 Genomes Project 0.00200; ESP Exome Variant Server 0.00223; gnomAD exomes 0.00330; ExAC 0.00478.
gnomAD v4.1: 5,497 of 1,613,982 alleles (0.34%); highest among the groups gnomAD compares: Non-Finnish European, 0.28%; 45 homozygotes.

Submission:

CeGaT Center for Human Genetics Tuebingen
Classification: Likely benign. Last evaluated: 2022-07-01. Review status: criteria provided, single submitter. Criteria: CeGaT Center For Human Genetics Tuebingen Variant Classification Criteria Version 2. Collection method: clinical testing. Allele origin: germline. Affected: yes. Observed: 1 variant allele.
Comment: GDPD5: BP4, BP7

NM_030792.8(GDPD5):c.1509C>T (p.Ala503=)

Gene: GDPD5 (glycerophosphodiester phosphodiesterase domain containing 5; minus strand). Cytogenetic location: 11q13.4.
Variant type: single nucleotide variant.
Coding change: c.1509C>T on transcript NM_030792.8 (MANE Select); coding-DNA position 1509, C replaced by T.
Protein change: p.Ala503=; no amino-acid change (alanine 503 retained).
Molecular consequence: synonymous variant.
Genome position (GRCh38, 1-based): chr11:75,439,926, G>A on the plus strand (C>T on the coding strand, the complement: GDPD5 is on the minus strand). VCF-style: chr11-75439926-G-A. GRCh37 (hg19) VCF-style: chr11-75150971-G-A.
Other names: c.1095C>T, p.Ala365= (NM_001351167.2); c.774C>T, p.Ala258= (NM_001351168.1).
Identifiers: ClinVar variation 2642158 (VCV002642158.24), dbSNP rs115438239, ClinGen allele CA6190133.